The following is an entry in ClinVar:

NM_001348323.3(TRIP12):c.3833C>T (p.Pro1278Leu)

Gene: TRIP12 (thyroid hormone receptor interactor 12; minus strand). Cytogenetic location: 2q36.3.
Variant type: single nucleotide variant.
Coding change: c.3833C>T on transcript NM_001348323.3 (MANE Select); coding-DNA position 3833, C replaced by T.
Protein change: p.Pro1278Leu; replaces proline 1278 with leucine.
Molecular consequence: missense variant.
Genome position (GRCh38, 1-based): chr2:229,795,314, G>A on the plus strand (C>T on the coding strand, the complement: TRIP12 is on the minus strand). VCF-style: chr2-229795314-G-A. GRCh37 (hg19) VCF-style: chr2-230660030-G-A.
Other names: c.3752C>T, p.Pro1251Leu (NM_001284214.2, NM_001348315.2); c.3707C>T, p.Pro1236Leu (NM_001284215.2, NM_001348316.2, NM_001348317.1 and 1 more transcripts); c.2798C>T, p.Pro933Leu (NM_001284216.2); c.3833C>T, p.Pro1278Leu (NM_001348319.1, NM_001348320.2, NM_001348322.1 and 4 more transcripts); c.3836C>T, p.Pro1279Leu (NM_001348321.1, NM_001348328.1, NM_001348329.2 and 1 more transcripts); c.3626C>T, p.Pro1209Leu (NM_001348331.1); c.3746C>T, p.Pro1249Leu (NM_001348332.1); c.3755C>T, p.Pro1252Leu (NM_001348333.1); and 1 more; short protein forms P1203L, P1209L, P1236L, P1249L, P1251L, P1252L, P1278L, P1279L.
Identifiers: ClinVar variation 2662236 (VCV002662236.1), dbSNP rs2471404357, ClinGen allele CA350903851.

ClinVar aggregate classification (germline): Uncertain significance (1 of 4 stars; one submission).

Submission:

GeneDx
Classification: Uncertain significance. Last evaluated: 2023-05-09. Review status: criteria provided, single submitter. Criteria: GeneDx Variant Classification Process June 2021. Collection method: clinical testing. Allele origin: germline. Affected: yes.
Comment: Not observed at significant frequency in large population cohorts (gnomAD); In silico analysis supports that this missense variant has a deleterious effect on protein structure/function; Has not been previously published as pathogenic or benign to our knowledge